The following is an entry in ClinVar:

NM_194318.4(B3GLCT):c.172A>G (p.Ile58Val)

Gene: B3GLCT (beta 3-glucosyltransferase; plus strand). Cytogenetic location: 13q12.3.
Variant type: single nucleotide variant.
Coding change: c.172A>G on transcript NM_194318.4 (MANE Select); coding-DNA position 172, A replaced by G.
Protein change: p.Ile58Val; replaces isoleucine 58 with valine.
Molecular consequence: missense variant.
Genome position (GRCh38, 1-based): chr13:31,229,196, A>G. VCF-style: chr13-31229196-A-G. GRCh37 (hg19) VCF-style: chr13-31803333-A-G.
Other names: short protein forms I58V.
Identifiers: ClinVar variation 2400236 (VCV002400236.2), dbSNP rs377650394, ClinGen allele CA6936497.

ClinVar aggregate classification (germline): Uncertain significance (1 of 4 stars; one submission).

Conditions:
Inborn genetic diseases. Identifiers: MedGen C0950123, MeSH D030342.

Allele frequency attached by ClinVar (database versions not stated): gnomAD exomes 0.00001; ExAC 0.00004; ESP Exome Variant Server 0.00008; TOPMed 0.00010; gnomAD 0.00011; 1000 Genomes Project 30x 0.00016; 1000 Genomes Project 0.00020.
gnomAD v4.1: 34 of 1,601,554 alleles (0.0021%); highest among the groups gnomAD compares: African/African-American, 0.037%; 1 homozygote.

Submission:

Ambry Genetics
Classification: Uncertain significance for Inborn genetic diseases. Last evaluated: 2021-01-06. Review status: criteria provided, single submitter. Criteria: Ambry Variant Classification Scheme 2023. Collection method: clinical testing. Allele origin: germline.
Comment: The c.172A>G (p.I58V) alteration is located in exon 4 (coding exon 4) of the B3GLCT gene. This alteration results from a A to G substitution at nucleotide position 172, causing the isoleucine (I) at amino acid position 58 to be replaced by a valine (V). The p.I58V alteration is predicted to be tolerated by in silico analysis. Based on insufficient or conflicting evidence, the clinical significance of this alteration remains unclear.